The following is an entry in ClinVar:

ClinVar aggregate classification (germline): Likely benign (1 of 4 stars; one submission).

gnomAD v4.1: 12 of 1,613,654 alleles (0.00074%); highest among the groups gnomAD compares: Middle Eastern, 0.099%; no homozygotes.

Submission:

CeGaT Center for Human Genetics Tuebingen
Classification: Likely benign. Last evaluated: 2022-10-01. Review status: criteria provided, single submitter. Criteria: CeGaT Center For Human Genetics Tuebingen Variant Classification Criteria Version 2. Collection method: clinical testing. Allele origin: germline. Affected: yes. Observed: 1 variant allele.
Comment: RRBP1: BP4, BP7

NM_001365613.2(RRBP1):c.1917C>T (p.Pro639=)

Gene: RRBP1 (ribosome binding protein 1; minus strand). Cytogenetic location: 20p12.1.
Variant type: single nucleotide variant.
Coding change: c.1917C>T on transcript NM_001365613.2 (MANE Select); coding-DNA position 1917, C replaced by T.
Protein change: p.Pro639=; no amino-acid change (proline 639 retained).
Molecular consequence: synonymous variant.
Genome position (GRCh38, 1-based): chr20:17,643,123, G>A on the plus strand (C>T on the coding strand, the complement: RRBP1 is on the minus strand). VCF-style: chr20-17643123-G-A. GRCh37 (hg19) VCF-style: chr20-17623768-G-A.
Other names: c.618C>T, p.Pro206= (NM_001042576.2, NM_004587.3).
Identifiers: ClinVar variation 2652213 (VCV002652213.24), dbSNP rs370306889, ClinGen allele CA312289689.
Genomic context (GRCh38, chr20:17,643,123, plus strand): 5'-GCTCCCAACCGTGGAGACCAGCGTCTTGTAGGGGAGGTAGAGAGGGCCGTCGGCATCTGG[G>A]GGCCCTGTGCAGCAAGAGGGAAAGAGCTGAGACTTAGGCCCATAAGCCACAACACACGTG-3'
Protein context (NP_001352542.1, residues 629-649): SGSKKKGEPG[Pro639=]PDADGPLYLP